The following is an entry in ClinVar:

NM_000138.5(FBN1):c.4404C>T (p.Phe1468=)

Gene: FBN1 (fibrillin 1; minus strand). Cytogenetic location: 15q21.1.
Variant type: single nucleotide variant.
Coding change: c.4404C>T on transcript NM_000138.5 (MANE Select); coding-DNA position 4404, C replaced by T.
Protein change: p.Phe1468=; no amino-acid change (phenylalanine 1468 retained).
Molecular consequence: synonymous variant.
Genome position (GRCh38, 1-based): chr15:48,470,689, G>A on the plus strand (C>T on the coding strand, the complement: FBN1 is on the minus strand). VCF-style: chr15-48470689-G-A. GRCh37 (hg19) VCF-style: chr15-48762886-G-A.
Identifiers: ClinVar variation 527219 (VCV000527219.14), dbSNP rs780479561, ClinGen allele CA490027720.
Genomic context (GRCh38, chr15:48,470,689, plus strand): 5'-CTTACCTGTGCAGTTCCCGCCGCTTCTGTCCAGTTCGTAGCCTATCTCACACTCACAGCG[G>A]AACAGGCCAGGGAGGTTGTGGCAAGTTCCAAAGACACAGATGTTCGGAAGGGAGCACTCA-3'
Protein context (NP_000129.3, residues 1458-1478): FGTCHNLPGL[Phe1468=]RCECEIGYEL

ClinVar aggregate classification (germline): Likely benign. Review status: criteria provided, multiple submitters, no conflicts (2 of 4 stars). 5 submissions from 5 submitters: Likely benign (5). Last evaluated 2025-05-28.

Conditions:
Familial thoracic aortic aneurysm and aortic dissection (TAAD). Also called: Thoracic aortic aneurysms and dissections. Identifiers: Orphanet 91387, MedGen C4707243, MONDO:0019625.
Marfan syndrome (MFS). Also called: Marfan syndrome type 1; Marfan syndrome, classic; Marfan's syndrome; FBN1-Related Marfan Syndrome; MARFAN SYNDROME, TYPE I. Identifiers: Orphanet 284963, Orphanet 558, MedGen C0024796, MONDO:0007947, OMIM 154700.

gnomAD v4.1: 1 of 1,614,024 alleles (0.000062%); highest among the groups gnomAD compares: Non-Finnish European, 0.000085%; no homozygotes.

Submissions (5):

Labcorp Genetics (formerly Invitae), Labcorp
Classification: Likely benign for Marfan syndrome; Familial thoracic aortic aneurysm and aortic dissection. Last evaluated: 2025-05-28. Review status: criteria provided, single submitter. Criteria: Invitae Variant Classification Sherloc (09022015). Collection method: clinical testing. Allele origin: germline.

All of Us Research Program, National Institutes of Health
Classification: Likely benign for Marfan syndrome. Last evaluated: 2024-07-29. Review status: criteria provided, single submitter. Criteria: ACMG Guidelines, 2015. Collection method: clinical testing. Allele origin: germline. Inheritance: Autosomal dominant inheritance. Observed: 2 variant alleles, 2 heterozygotes.
Comment: This study involves interpretation of variants in research participants for the purpose of population health screening. Participant phenotype was not available at the time of variant classification. Additional details can be found in publication PMID: 35346344, PMCID: PMC8962531

Ambry Genetics
Classification: Likely benign for Familial thoracic aortic aneurysm and aortic dissection. Last evaluated: 2023-11-11. Review status: criteria provided, single submitter. Criteria: Ambry Variant Classification Scheme 2023. Collection method: clinical testing. Allele origin: germline.

Women's Health and Genetics/Laboratory Corporation of America, LabCorp
Classification: Likely benign. Last evaluated: 2022-03-19. Review status: criteria provided, single submitter. Criteria: LabCorp Variant Classification Summary - May 2015. Collection method: clinical testing. Allele origin: germline.

Color Diagnostics, LLC DBA Color Health
Classification: Likely benign for Familial thoracic aortic aneurysm and aortic dissection. Last evaluated: 2019-01-25. Review status: criteria provided, single submitter. Criteria: ACMG Guidelines, 2015. Collection method: clinical testing. Allele origin: germline.